The following is an entry in ClinVar:

NM_000291.4(PGK1):c.236A>G (p.Glu79Gly)

Gene: PGK1 (phosphoglycerate kinase 1; plus strand). Cytogenetic location: Xq21.1.
Variant type: single nucleotide variant.
Coding change: c.236A>G on transcript NM_000291.4 (MANE Select); coding-DNA position 236, A replaced by G.
Protein change: p.Glu79Gly; replaces glutamic acid 79 with glycine.
Molecular consequence: missense variant.
Genome position (GRCh38, 1-based): chrX:78,113,863, A>G. VCF-style: chrX-78113863-A-G. GRCh37 (hg19) VCF-style: chrX-77369360-A-G.
Other names: short protein forms E79G.
Identifiers: ClinVar variation 4778238 (VCV004778238.1).

ClinVar aggregate classification (germline): Uncertain significance (1 of 4 stars; one submission).

Submission:

Labcorp Genetics (formerly Invitae), Labcorp
Classification: Uncertain significance. Last evaluated: 2025-09-29. Review status: criteria provided, single submitter. Criteria: Invitae Variant Classification Sherloc (09022015). Collection method: clinical testing. Allele origin: germline.
Comment: This sequence change replaces glutamic acid, which is acidic and polar, with glycine, which is neutral and non-polar, at codon 79 of the PGK1 protein (p.Glu79Gly). This variant is not present in population databases (gnomAD no frequency). This variant has not been reported in the literature in individuals affected with PGK1-related conditions. Invitae Evidence Modeling of protein sequence and biophysical properties (such as structural, functional, and spatial information, amino acid conservation, physicochemical variation, residue mobility, and thermodynamic stability) indicates that this missense variant is not expected to disrupt PGK1 protein function with a negative predictive value of 80%. In summary, the available evidence is currently insufficient to determine the role of this variant in disease. Therefore, it has been classified as a Variant of Uncertain Significance.